The following is an entry in ClinVar:

NM_001693.4(ATP6V1B2):c.503A>G (p.Glu168Gly)

Gene: ATP6V1B2 (ATPase H+ transporting V1 subunit B2; plus strand). Cytogenetic location: 8p21.3.
Variant type: single nucleotide variant.
Coding change: c.503A>G on transcript NM_001693.4 (MANE Select); coding-DNA position 503, A replaced by G.
Protein change: p.Glu168Gly; replaces glutamic acid 168 with glycine.
Molecular consequence: missense variant.
Genome position (GRCh38, 1-based): chr8:20,211,216, A>G. VCF-style: chr8-20211216-A-G. GRCh37 (hg19) VCF-style: chr8-20068727-A-G.
Other names: short protein forms E168G.
Identifiers: ClinVar variation 4526431 (VCV004526431.1).
Genomic context (GRCh38, chr8:20,211,216, plus strand): 5'-TCCTTTTTGGAAATACATTAGGTCAGCCAATCAACCCTCAATGTCGAATCTACCCAGAGG[A>G]AATGATTCAGACTGGCATTTCGGCCATCGATGGGATGAACAGTATTGCTAGGGGGCAGAA-3'
Protein context (NP_001684.2, residues 158-178): INPQCRIYPE[Glu168Gly]MIQTGISAID

ClinVar aggregate classification (germline): Uncertain significance (1 of 4 stars; one submission).

Conditions:
Zimmermann-Laband syndrome 2 (ZLS2). Identifiers: Orphanet 3473, MedGen C4225321, MONDO:0014646, OMIM 616455.

Submission:

Kasturba Medical College, Manipal, Kasturba Medical College, Manipal, Manipal Academy of Higher Education, Manipal, India
Classification: Uncertain significance for Zimmermann-Laband syndrome 2. Last evaluated: 2025-10-24. Review status: criteria provided, single submitter. Criteria: ACMG Guidelines, 2015. Collection method: research. Allele origin: germline. Inheritance: Autosomal dominant inheritance. Affected: yes.
Comment: This variant is absent in homozygous and/or heterozygous state in the population database gnomAD (v4.1.0) and our in-house database of 3,650 exomes. One individual (DECIPHER ID: 277777) with the same de novo variant has been reported as likely pathogenic, exhibiting intrauterine growth retardation, craniofacial dysmorphism, obesity, joint hypermobility, and neurodevelopmental abnormalities, overlapping with the neurodevelopmental features observed in the present case. In silico analysis tools (REVEL, Alphamissense, CADD_phred) are consistent in predicting the variant as damaging to ATP6V1B2 protein function.